The following is an entry in ClinVar:

ClinVar aggregate classification (germline): Uncertain significance (1 of 4 stars; one submission).

Submission:

CeGaT Center for Human Genetics Tuebingen
Classification: Uncertain significance. Last evaluated: 2026-03-01. Review status: criteria provided, single submitter. Criteria: CeGaT Center For Human Genetics Tuebingen Variant Classification Criteria Version 2. Collection method: clinical testing. Allele origin: germline. Affected: yes. Observed: 1 variant allele.
Comment: EIF4A2: PM2:Supporting, BP4

NM_001967.4(EIF4A2):c.399T>C (p.His133=)

Gene: EIF4A2 (eukaryotic translation initiation factor 4A2; plus strand). Cytogenetic location: 3q27.3.
Variant type: single nucleotide variant.
Coding change: c.399T>C on transcript NM_001967.4 (MANE Select); coding-DNA position 399, T replaced by C.
Protein change: p.His133=; no amino-acid change (histidine 133 retained).
Molecular consequence: synonymous variant.
Genome position (GRCh38, 1-based): chr3:186,785,933, T>C. VCF-style: chr3-186785933-T-C. GRCh37 (hg19) VCF-style: chr3-186503722-T-C.
Identifiers: ClinVar variation 4822631 (VCV004822631.4).